The following is an entry in ClinVar:

ClinVar aggregate classification (germline): Uncertain significance. Review status: criteria provided, multiple submitters, no conflicts (2 of 4 stars). 6 submissions from 6 submitters: Uncertain significance (4). 2 of the submissions do not count toward it. Last evaluated 2025-09-13.

Conditions:
SQSTM1-related disorder. Also called: SQSTM1-Related Disorders.
Frontotemporal dementia and/or amyotrophic lateral sclerosis 1 (FTDALS1). Also called: Frontotemporal dementia with motor neuron disease 1; C9orf72 Frontotemporal Dementia and/or Amyotrophic Lateral Sclerosis. Identifiers: Orphanet 275872, MedGen C5779877, MONDO:0007105, OMIM 105550.
Paget disease of bone 2, early-onset (PDB2). Also called: Paget disease of bone 2. Identifiers: MedGen C4085251, MONDO:0011183, OMIM 602080.

Allele frequency attached by ClinVar (database versions not stated): gnomAD exomes below 0.00001; TOPMed 0.00001; gnomAD 0.00002; ExAC 0.00006.
gnomAD v4.1: 9 of 1,478,454 alleles (0.00061%); highest among the groups gnomAD compares: Non-Finnish European, 0.00072%; no homozygotes.

Submissions (6):

Labcorp Genetics (formerly Invitae), Labcorp
Classification: Uncertain significance for Paget disease of bone 2, early-onset; Frontotemporal dementia and/or amyotrophic lateral sclerosis 1. Last evaluated: 2025-09-13. Review status: criteria provided, single submitter. Criteria: Invitae Variant Classification Sherloc (09022015). Collection method: clinical testing. Allele origin: germline.
Comment: This sequence change replaces leucine, which is neutral and non-polar, with valine, which is neutral and non-polar, at codon 47 of the SQSTM1 protein (p.Leu47Val). This variant is present in population databases (rs779786150, gnomAD 0.003%). This variant has not been reported in the literature in individuals affected with SQSTM1-related conditions. ClinVar contains an entry for this variant (Variation ID: 664776). Invitae Evidence Modeling of protein sequence and biophysical properties (such as structural, functional, and spatial information, amino acid conservation, physicochemical variation, residue mobility, and thermodynamic stability) indicates that this missense variant is not expected to disrupt SQSTM1 protein function with a negative predictive value of 80%. In summary, the available evidence is currently insufficient to determine the role of this variant in disease. Therefore, it has been classified as a Variant of Uncertain Significance.

GeneDx
Classification: Uncertain significance. Last evaluated: 2023-10-26. Review status: criteria provided, single submitter. Criteria: GeneDx Variant Classification Process June 2021. Collection method: clinical testing. Allele origin: germline. Affected: yes.
Comment: Not observed at significant frequency in large population cohorts (gnomAD); In silico analysis supports that this missense variant does not alter protein structure/function; Has not been previously published as pathogenic or benign to our knowledge

Mayo Clinic Laboratories, Mayo Clinic
Classification: Uncertain significance. Last evaluated: 2023-10-10. Review status: criteria provided, single submitter. Criteria: ACMG Guidelines, 2015. Collection method: clinical testing. Allele origin: germline. Observed: 1 variant allele.

PreventionGenetics, part of Exact Sciences
Classification: Uncertain significance for SQSTM1-related condition. Last evaluated: 2023-03-08. Review status: criteria provided, single submitter. Criteria: ACMG Guidelines, 2015. Collection method: clinical testing. Allele origin: germline.
Comment: The SQSTM1 c.139C>G variant is predicted to result in the amino acid substitution p.Leu47Val. To our knowledge, this variant has not been reported in the literature or in a large population database, indicating this variant is rare. At this time, the clinical significance of this variant is uncertain due to the absence of conclusive functional and genetic evidence.

Clinical Genetics DNA and cytogenetics Diagnostics Lab, Erasmus MC, Erasmus Medical Center
Classification: Uncertain significance. Review status: no assertion criteria provided. Collection method: clinical testing. Allele origin: germline. Affected: yes. Study: VKGL Data-share Consensus. Not counted in ClinVar's aggregate classification.

Genome Diagnostics Laboratory, Amsterdam University Medical Center
Classification: Uncertain significance. Review status: no assertion criteria provided. Collection method: clinical testing. Allele origin: germline. Affected: yes. Study: VKGL Data-share Consensus. Not counted in ClinVar's aggregate classification.

NM_003900.5(SQSTM1):c.139C>G (p.Leu47Val)

Genes: SQSTM1 (sequestosome 1; plus strand), LOC129995449 (ATAC-STARR-seq lymphoblastoid silent region 16749; plus strand). Cytogenetic location: 5q35.3.
Variant type: single nucleotide variant.
Coding change: c.139C>G on transcript NM_003900.5 (MANE Select); coding-DNA position 139, C replaced by G.
Protein change: p.Leu47Val; replaces leucine 47 with valine.
Molecular consequence: missense variant. On other transcripts: intron variant (2).
Genome position (GRCh38, 1-based): chr5:179,821,075, C>G. VCF-style: chr5-179821075-C-G. GRCh37 (hg19) VCF-style: chr5-179248075-C-G.
Other names: p.Leu47Val; c.-47-1883C>G (NM_001142298.2, NM_001142299.2); short protein forms L47V.
Identifiers: ClinVar variation 664776 (VCV000664776.14), dbSNP rs779786150, ClinGen allele CA3600378.
Genomic context (GRCh38, chr5:179,821,075, plus strand): 5'-TGCAGCCCCGAGCCTGAGGCGGAAGCCGAGGCTGCGGCGGGTCCGGGACCCTGCGAGCGG[C>G]TGCTGAGCCGGGTGGCCGCCCTGTTCCCCGCGCTGCGGCCTGGCGGCTTCCAGGCGCACT-3'
Protein context (NP_003891.1, residues 37-57): AAAGPGPCER[Leu47Val]LSRVAALFPA